The following is an entry in ClinVar:

NM_000138.5(FBN1):c.7507del (p.Thr2503fs)

Gene: FBN1 (fibrillin 1; minus strand). Cytogenetic location: 15q21.1.
Variant type: Deletion.
Coding change: c.7507del on transcript NM_000138.5 (MANE Select); coding-DNA position 7507, one base deleted (A; older notation c.7507delA).
Protein change: p.Thr2503fs; shifts the reading frame from threonine 2503.
Molecular consequence: frameshift variant.
Genome position (GRCh38, 1-based): chr15:48,422,015, T deleted on the plus strand (A on the coding strand, the reverse complement: FBN1 is on the minus strand). VCF-style (leftmost placement, unchanged base first): chr15-48422014-GT-G. GRCh37 (hg19) VCF-style: chr15-48714211-GT-G.
Other names: c.7507delA (NM_000138.4); short protein forms T2503fs.
Identifiers: ClinVar variation 453088 (VCV000453088.2), dbSNP rs1555394242, ClinGen allele CA658656475.

ClinVar aggregate classification (germline): Pathogenic (1 of 4 stars; one submission).

Submission:

GeneDx
Classification: Pathogenic. Last evaluated: 2018-09-12. Review status: criteria provided, single submitter. Criteria: GeneDx Variant Classification (06012015). Collection method: clinical testing. Allele origin: germline. Affected: yes.
Comment: Although the c.7507delA pathogenic variant in the FBN1 gene has not been reported to our knowledge, this variant causes a shift in reading frame starting at codon threonine 2503, changing it to a proline, and creating a premature stop codon at position 179 of the new reading frame, denoted p.Thr2503ProfsX179. This pathogenic variant is expected to result in either an abnormal, truncated protein product or loss of protein from this allele through nonsense-mediated mRNA decay. Other frameshift variants in the FBN1 gene have been reported in Human Gene Mutation Database in association with Marfan syndrome (Stenson et al., 2014), indicating that loss of function is a mechanism of disease for this gene. Furthermore, the c.7507delA variant has not been observed in large population cohorts (Lek et al., 2016).